The following is an entry in ClinVar:

ClinVar aggregate classification (germline): Uncertain significance (1 of 4 stars; one submission).

Conditions:
Inborn genetic diseases. Identifiers: MedGen C0950123, MeSH D030342.

Allele frequency attached by ClinVar (database versions not stated): gnomAD exomes below 0.00001; TOPMed 0.00001.
gnomAD v4.1: 4 of 1,562,280 alleles (0.00026%); highest among the groups gnomAD compares: African/African-American, 0.0014%; no homozygotes.

Submission:

Ambry Genetics
Classification: Uncertain significance for Inborn genetic diseases. Last evaluated: 2025-05-03. Review status: criteria provided, single submitter. Criteria: Ambry Variant Classification Scheme 2023. Collection method: clinical testing. Allele origin: germline.
Comment: The p.R5Q variant (also known as c.14G>A), located in coding exon 1 of the MIB1 gene, results from a G to A substitution at nucleotide position 14. The arginine at codon 5 is replaced by glutamine, an amino acid with highly similar properties. This amino acid position is conserved. In addition, this alteration is predicted to be tolerated by in silico analysis. Since supporting evidence is limited at this time, the clinical significance of this alteration remains unclear.

NM_020774.4(MIB1):c.14G>A (p.Arg5Gln)

Genes: MIB1 (MIB E3 ubiquitin protein ligase 1; plus strand), LOC130062254 (ATAC-STARR-seq lymphoblastoid silent region 9344; plus strand). Cytogenetic location: 18q11.2.
Variant type: single nucleotide variant.
Coding change: c.14G>A on transcript NM_020774.4 (MANE Select); coding-DNA position 14, G replaced by A.
Protein change: p.Arg5Gln; replaces arginine 5 with glutamine.
Molecular consequence: missense variant.
Genome position (GRCh38, 1-based): chr18:21,741,597, G>A. VCF-style: chr18-21741597-G-A. GRCh37 (hg19) VCF-style: chr18-19321558-G-A.
Other names: short protein forms R5Q.
Identifiers: ClinVar variation 1773979 (VCV001773979.3), dbSNP rs868729096, ClinGen allele CA297002558.